The following is an entry in ClinVar:

NM_001365276.2(TNXB):c.4916G>A (p.Arg1639His)

Gene: TNXB (tenascin XB; minus strand). Cytogenetic location: 6p21.33.
Variant type: single nucleotide variant.
Coding change: c.4916G>A on transcript NM_001365276.2 (MANE Select); coding-DNA position 4916, G replaced by A.
Protein change: p.Arg1639His; replaces arginine 1639 with histidine.
Molecular consequence: missense variant.
Genome position (GRCh38, 1-based): chr6:32,072,064, C>T on the plus strand (G>A on the coding strand, the complement: TNXB is on the minus strand). VCF-style: chr6-32072064-C-T. GRCh37 (hg19) VCF-style: chr6-32039841-C-T.
Other names: p.Arg1639His; c.4916G>A, p.Arg1639His (NM_019105.8); short protein forms R1639H.
Identifiers: ClinVar variation 1702333 (VCV001702333.9), dbSNP rs756221645, ClinGen allele CA3734855.

ClinVar aggregate classification (germline): Uncertain significance. Review status: criteria provided, multiple submitters, no conflicts (2 of 4 stars). 5 submissions from 5 submitters: Uncertain significance (5). Last evaluated 2026-09-01.

Conditions:
Cardiovascular phenotype. Identifiers: MedGen CN230736.
Ehlers-Danlos syndrome (EDS). Identifiers: Orphanet 98249, MedGen C0013720, MONDO:0020066.

Allele frequency attached by ClinVar (database versions not stated): TOPMed 0.00004; gnomAD 0.00005; gnomAD exomes 0.00006 and 0.00008; ExAC 0.00017.
gnomAD v4.1: 95 of 1,612,394 alleles (0.0059%); highest among the groups gnomAD compares: Non-Finnish European, 0.0075%; no homozygotes.

Submissions (5):

CeGaT Center for Human Genetics Tuebingen
Classification: Uncertain significance. Last evaluated: 2026-09-01. Review status: criteria provided, single submitter. Criteria: CeGaT Center For Human Genetics Tuebingen Variant Classification Criteria Version 2. Collection method: clinical testing. Allele origin: germline. Affected: yes. Observed: 1 variant allele.
Comment: TNXB: PM2, BP4

Women's Health and Genetics/Laboratory Corporation of America, LabCorp
Classification: Uncertain significance. Last evaluated: 2026-02-13. Review status: criteria provided, single submitter. Criteria: LabCorp Variant Classification Summary - May 2015. Collection method: clinical testing. Allele origin: germline.
Comment: Variant summary: TNXB c.4916G>A (p.Arg1639His) results in a non-conservative amino acid change in the encoded protein sequence. Algorithms developed to predict the effect of missense changes on protein structure and function are either unavailable or do not agree on the potential impact of this missense change. The variant allele was found at a frequency of 8.5e-05 in 247630 control chromosomes. This frequency is not significantly higher than estimated for disease-causing variants in TNXB, allowing no conclusion about variant significance. To our knowledge, no occurrence of c.4916G>A in individuals affected with TNXB-related conditions and no experimental evidence demonstrating its impact on protein function have been reported. ClinVar contains an entry for this variant (Variation ID: 1702333). Based on the evidence outlined above, the variant was classified as uncertain significance.

Mayo Clinic Laboratories, Mayo Clinic
Classification: Uncertain significance. Last evaluated: 2025-10-20. Review status: criteria provided, single submitter. Criteria: ACMG Guidelines, 2015. Collection method: clinical testing. Allele origin: germline. Observed: 1 variant allele.
Comment: BP4

Ambry Genetics
Classification: Uncertain significance for Cardiovascular phenotype. Last evaluated: 2024-12-23. Review status: criteria provided, single submitter. Criteria: Ambry Variant Classification Scheme 2023. Collection method: clinical testing. Allele origin: germline.

Genome Diagnostics Laboratory, The Hospital for Sick Children
Classification: Uncertain significance for Ehlers-Danlos syndrome. Last evaluated: 2020-01-01. Review status: criteria provided, single submitter. Criteria: ACMG Guidelines, 2015. Collection method: clinical testing. Allele origin: germline.